The following is an entry in ClinVar:

ClinVar aggregate classification (germline): Likely pathogenic (1 of 4 stars; one submission).

Conditions:
Hereditary spastic paraplegia 15 (SPG15). Also called: SPASTIC PARAPLEGIA 15, AUTOSOMAL RECESSIVE; KJELLIN SYNDROME; SPASTIC PARAPLEGIA AND RETINAL DEGENERATION. Identifiers: Orphanet 100996, MedGen C1849128, MONDO:0010044, OMIM 270700.

Submission:

Myriad Genetics, Inc.
Classification: Likely pathogenic for Hereditary spastic paraplegia 15. Last evaluated: 2022-02-25. Review status: criteria provided, single submitter. Criteria: Myriad Women's Health Autosomal Recessive and X-Linked Classification Criteria (2021). Collection method: clinical testing. Allele origin: unknown.
Comment: NM_015346.3(ZFYVE26):c.3684_3688del5(S1229Lfs*3) is expected to be pathogenic in the context of spastic paraplegia type 15. This variant is predicted to lead to an abnormal or absent protein product due to the creation of a premature termination codon in ZFYVE26, a gene where loss-of-function variants are known to be pathogenic. Please note: this variant was assessed in the context of healthy population screening.

NM_015346.4(ZFYVE26):c.3684_3688del (p.Ser1229fs)

Gene: ZFYVE26 (zinc finger FYVE-type containing 26; minus strand). Cytogenetic location: 14q24.1.
Variant type: Deletion.
Coding change: c.3684_3688del on transcript NM_015346.4 (MANE Select); coding-DNA positions 3684 to 3688, 5 bases deleted (CAGCT; older notation c.3684_3688delCAGCT).
Protein change: p.Ser1229fs; shifts the reading frame from serine 1229.
Molecular consequence: frameshift variant.
Genome position (GRCh38, 1-based): chr14:67,783,464-67,783,468, AGCTG deleted on the plus strand (CAGCT on the coding strand, the reverse complement: ZFYVE26 is on the minus strand); deleting any 5 consecutive bases within chr14:67,783,464-67,783,469 gives the same sequence; the c. name uses the placement nearest the transcript's 3' end. VCF-style (leftmost placement, unchanged base first): chr14-67783463-CAGCTG-C. GRCh37 (hg19) VCF-style: chr14-68250180-CAGCTG-C.
Other names: short protein forms S1229fs.
Identifiers: ClinVar variation 1724675 (VCV001724675.2), dbSNP rs2502807841, ClinGen allele CA2580088584.
Genomic context (GRCh38, chr14:67,783,463, plus strand): 5'-AGGAGGGAGGAGGTCTGCTGGCTTTGCCGGGATGAGCAAAGAGCAAGGGGCTCACAGCAG[CAGCTG>C]ACGATGACCTGTGGCACACTTAGGCTGAGATTCTCTTGGGCCAGAAGGGCTGCCAGTCTG-3'